The following is an entry in ClinVar:

ClinVar aggregate classification (germline): Uncertain significance (1 of 4 stars; one submission).

Conditions:
Childhood-onset motor and cognitive regression syndrome with extrapyramidal movement disorder. Also called: NEURODEGENERATION, CHILDHOOD-ONSET, WITH BRAIN ATROPHY. Identifiers: Orphanet 500180, MedGen C4540086, MONDO:0044701, OMIM 617672.

Submission:

Laboratorio de Genetica e Diagnostico Molecular, Hospital Israelita Albert Einstein
Classification: Uncertain significance for Childhood-onset motor and cognitive regression syndrome with extrapyramidal movement disorder. Last evaluated: 2022-04-01. Review status: criteria provided, single submitter. Criteria: ACMG Guidelines, 2015. Collection method: clinical testing. Allele origin: germline. Affected: yes. Observed: 1 variant allele.
Comment: ACMG classification criteria: PM2 moderated

NM_014233.4(UBTF):c.442A>G (p.Lys148Glu)

Genes: ATXN7L3-AS1 (ATXN7L3 antisense RNA 1; plus strand), UBTF (upstream binding transcription factor; minus strand). Cytogenetic location: 17q21.31.
Variant type: single nucleotide variant.
Coding change: c.442A>G on transcript NM_014233.4 (MANE Select); coding-DNA position 442, A replaced by G.
Protein change: p.Lys148Glu; replaces lysine 148 with glutamic acid.
Molecular consequence: missense variant. On other transcripts: non-coding transcript variant (1).
Genome position (GRCh38, 1-based): chr17:44,215,686, T>C on the plus strand (A>G on the coding strand, the complement: UBTF is on the minus strand). VCF-style: chr17-44215686-T-C. GRCh37 (hg19) VCF-style: chr17-42293054-T-C.
Other names: c.442A>G, p.Lys148Glu (NM_001076683.2, NM_001076684.3); short protein forms K148E.
Identifiers: ClinVar variation 2431353 (VCV002431353.1), dbSNP rs2509937048, ClinGen allele CA399767673.